The following is an entry in ClinVar:

NM_000260.4(MYO7A):c.4943G>A (p.Trp1648Ter)

Gene: MYO7A (myosin VIIA; plus strand). Cytogenetic location: 11q13.5.
Variant type: single nucleotide variant.
Coding change: c.4943G>A on transcript NM_000260.4 (MANE Select); coding-DNA position 4943, G replaced by A.
Protein change: p.Trp1648Ter; replaces tryptophan 1648 with a stop codon.
Molecular consequence: nonsense.
Genome position (GRCh38, 1-based): chr11:77,201,538, G>A. VCF-style: chr11-77201538-G-A. GRCh37 (hg19) VCF-style: chr11-76912583-G-A.
Other names: c.4829G>A, p.Trp1610Ter (NM_001127180.2); c.4796G>A, p.Trp1599Ter (NM_001369365.1); short protein forms W1648*, W1599*, W1610*.
Identifiers: ClinVar variation 1454634 (VCV001454634.6), dbSNP rs2135699140, ClinGen allele CA381951282.

ClinVar aggregate classification (germline): Pathogenic (1 of 4 stars; one submission).

Submission:

Labcorp Genetics (formerly Invitae), Labcorp
Classification: Pathogenic. Last evaluated: 2021-11-24. Review status: criteria provided, single submitter. Criteria: Invitae Variant Classification Sherloc (09022015). Collection method: clinical testing. Allele origin: germline.
Comment: This sequence change creates a premature translational stop signal (p.Trp1648*) in the MYO7A gene. It is expected to result in an absent or disrupted protein product. Loss-of-function variants in MYO7A are known to be pathogenic (PMID: 8900236, 25404053). This variant is not present in population databases (gnomAD no frequency). This variant has not been reported in the literature in individuals affected with MYO7A-related conditions. Algorithms developed to predict the effect of sequence changes on RNA splicing suggest that this variant may create or strengthen a splice site. For these reasons, this variant has been classified as Pathogenic.

Literature cited by the submitters: PubMed 8900236; PubMed 25404053.